The following is an entry in ClinVar:

ClinVar aggregate classification (germline): Uncertain significance (1 of 4 stars; one submission).

Conditions:
Inborn genetic diseases. Identifiers: MedGen C0950123, MeSH D030342.

gnomAD v4.1: 1 of 1,613,928 alleles (0.000062%); highest among the groups gnomAD compares: Non-Finnish European, 0.000085%; no homozygotes.

Submission:

Ambry Genetics
Classification: Uncertain significance for Inborn genetic diseases. Last evaluated: 2025-02-27. Review status: criteria provided, single submitter. Criteria: Ambry Variant Classification Scheme 2023. Collection method: clinical testing. Allele origin: germline.
Comment: The p.A206V variant (also known as c.617C>T), located in coding exon 1 of the SAMD9 gene, results from a C to T substitution at nucleotide position 617. The alanine at codon 206 is replaced by valine, an amino acid with similar properties. This amino acid position is conserved. In addition, this alteration is predicted to be tolerated by in silico analysis. Based on the available evidence, the clinical significance of this variant remains unclear.

NM_017654.4(SAMD9):c.617C>T (p.Ala206Val)

Gene: SAMD9 (sterile alpha motif domain containing 9; minus strand). Cytogenetic location: 7q21.2.
Variant type: single nucleotide variant.
Coding change: c.617C>T on transcript NM_017654.4 (MANE Select); coding-DNA position 617, C replaced by T.
Protein change: p.Ala206Val; replaces alanine 206 with valine.
Molecular consequence: missense variant.
Genome position (GRCh38, 1-based): chr7:93,105,481, G>A on the plus strand (C>T on the coding strand, the complement: SAMD9 is on the minus strand). VCF-style: chr7-93105481-G-A. GRCh37 (hg19) VCF-style: chr7-92734794-G-A.
Other names: c.617C>T, p.Ala206Val (NM_001193307.2); short protein forms A206V.
Identifiers: ClinVar variation 3792133 (VCV003792133.1).